The following is an entry in ClinVar:

NM_001377.3(DYNC2H1):c.1408_1418del (p.Ala470fs)

Gene: DYNC2H1 (dynein cytoplasmic 2 heavy chain 1; plus strand). Cytogenetic location: 11q22.3.
Variant type: Deletion.
Coding change: c.1408_1418del on transcript NM_001377.3 (MANE Select); coding-DNA positions 1408 to 1418, 11 bases deleted (GCATCTGGACC).
Protein change: p.Ala470fs; shifts the reading frame from alanine 470.
Molecular consequence: frameshift variant.
Genome position (GRCh38, 1-based): chr11:103,121,419-103,121,429, GCATCTGGACC deleted. VCF-style (leftmost placement, unchanged base first): chr11-103121418-TGCATCTGGACC-T. GRCh37 (hg19) VCF-style: chr11-102992147-TGCATCTGGACC-T.
Other names: c.1408_1418del, p.Ala470fs (NM_001080463.2); short protein forms A470fs.
Identifiers: ClinVar variation 2972071 (VCV002972071.3), dbSNP rs2496827409, ClinGen allele CA2740093182.

ClinVar aggregate classification (germline): Pathogenic (1 of 4 stars; one submission).

Conditions:
Jeune thoracic dystrophy. Also called: Short-rib thoracic dysplasia; Thoracic pelvic phalangeal dystrophy; Jeune's syndrome; Chondroectodermal dysplasia-like syndrome; Jeune syndrome; Infantile thoracic dystrophy. Identifiers: Orphanet 474, MedGen C0265275, MONDO:0018770.

Submission:

Labcorp Genetics (formerly Invitae), Labcorp
Classification: Pathogenic for Jeune thoracic dystrophy. Last evaluated: 2023-09-26. Review status: criteria provided, single submitter. Criteria: Invitae Variant Classification Sherloc (09022015). Collection method: clinical testing. Allele origin: germline.
Comment: For these reasons, this variant has been classified as Pathogenic. This variant has not been reported in the literature in individuals affected with DYNC2H1-related conditions. This variant is not present in population databases (gnomAD no frequency). This sequence change creates a premature translational stop signal (p.Ala470Thrfs*25) in the DYNC2H1 gene. It is expected to result in an absent or disrupted protein product. Loss-of-function variants in DYNC2H1 are known to be pathogenic (PMID: 23339108, 32753734, 33755199).

Literature cited by the submitters: PubMed 23339108; PubMed 32753734; PubMed 33755199.